The following is an entry in ClinVar:

ClinVar aggregate classification (germline): Pathogenic (1 of 4 stars; one submission).

Conditions:
LAMA2-related muscular dystrophy (LAMA2-RD). Also called: Laminin alpha 2-related dystrophy. Identifiers: MedGen C5679788, MONDO:0100228.

Submission:

Labcorp Genetics (formerly Invitae), Labcorp
Classification: Pathogenic for LAMA2-related muscular dystrophy. Last evaluated: 2016-11-30. Review status: criteria provided, single submitter. Criteria: Invitae Variant Classification Sherloc (09022015). Collection method: clinical testing. Allele origin: germline.
Comment: This variant is a gross deletion of the genomic region encompassing exons 56 of the LAMA2 gene. This creates a premature translational stop signal and is expected to result in an absent or disrupted protein product. Loss-of-function variants in LAMA2 are known to be pathogenic. A deletion encompassing exon 56, c.7750-1713_7899-2153del, has been reported in multiple individuals affected with congenital muscular dystrophy (PMID: 18700894). For these reasons, this variant has been classified as Pathogenic.

NC_000006.12:g.(?_129486474)_(129486622_?)del

Gene: LAMA2 (laminin subunit alpha 2; plus strand). Cytogenetic location: 6q22.33.
Variant type: Deletion.
Identifiers: ClinVar variation 477435 (VCV000477435.1).